The following is an entry in ClinVar:

NM_201548.5(CERKL):c.1303C>T (p.Arg435Ter)

Gene: CERKL (CERK like autophagy regulator; minus strand). Cytogenetic location: 2q31.3.
Variant type: single nucleotide variant.
Coding change: c.1303C>T on transcript NM_201548.5 (MANE Select); coding-DNA position 1303, C replaced by T.
Protein change: p.Arg435Ter; replaces arginine 435 with a stop codon.
Molecular consequence: nonsense. On other transcripts: non-coding transcript variant (2).
Genome position (GRCh38, 1-based): chr2:181,544,762, G>A on the plus strand (C>T on the coding strand, the complement: CERKL is on the minus strand). VCF-style: chr2-181544762-G-A. GRCh37 (hg19) VCF-style: chr2-182409489-G-A.
Other names: c.1381C>T, p.Arg461Ter (NM_001030311.3); c.964C>T, p.Arg322Ter (NM_001030312.3); c.1096C>T, p.Arg366Ter (NM_001030313.3); c.1249C>T, p.Arg417Ter (NM_001160277.2); short protein forms R461*, R435*, R417*, R322*, R366*.
Identifiers: ClinVar variation 555316 (VCV000555316.67), dbSNP rs1187839124, ClinGen allele CA349734466.

ClinVar aggregate classification (germline): Pathogenic/Likely pathogenic. Review status: criteria provided, multiple submitters, no conflicts (2 of 4 stars). 11 submissions from 11 submitters: Pathogenic (9); Likely pathogenic (1). 1 of the submissions does not count toward it. Last evaluated 2026-06-11.

Conditions:
CERKL-related disorder. Also called: CERKL-related condition.
Retinitis pigmentosa 26 (RP26). Identifiers: Orphanet 791, MedGen C1842127, MONDO:0012024, OMIM 608380.
Retinal disorder. Also called: Retinopathy; Retinopathies; Retinal Diseases; Retinal disorders. Identifiers: MedGen C0035309, MONDO:0005283, HP:0000488.
CERKL-related disorders.
Retinal dystrophy. Also called: Inherited retinal dystrophy. Identifiers: Orphanet 71862, MedGen C0854723, MeSH D058499, MONDO:0019118, HP:0000556.

Allele frequency attached by ClinVar (database versions not stated): gnomAD 0.00001; gnomAD exomes 0.00001.
gnomAD v4.1: 8 of 1,607,330 alleles (0.0005%); highest among the groups gnomAD compares: South Asian, 0.0022%; no homozygotes.

Submissions (11):

PreventionGenetics, part of Exact Sciences
Classification: Pathogenic for CERKL-related condition. Last evaluated: 2026-06-11. Review status: criteria provided, single submitter. Criteria: ACMG Guidelines, 2015. Collection method: clinical testing. Allele origin: germline.
Comment: The CERKL c.1381C>T variant is predicted to result in premature protein termination (p.Arg461*). This variant has been reported in the compound heterozygous state in multiple individuals with retinal disease (see for examples: Table S1, Stone et al. 2017. PubMed ID: 28559085; Table S5, Ellingford et al. 2017. PubMed ID: 29074561; Table S1, Lin et al. 2024. PubMed ID: 38219857). This variant is present in 0.0040% of alleles in individuals of African descent in gnomAD. Nonsense variants in CERKL are an established mechanism of disease. This variant is interpreted as pathogenic.

Genetics Laboratory, Great Ormond Street Hospital NHS Foundation Trust, North Thames Genomic Laboratory Hub
Classification: Pathogenic for Retinal disorders. Last evaluated: 2026-02-10. Review status: criteria provided, single submitter. Criteria: ACGS Best Practice Guidelines for Variant Classification in Rare Disease 2024 v1.2. Collection method: clinical testing. Allele origin: germline. Affected: yes.
Comment: PM2_moderate, PVS1_very-strong, PM3_moderate

Labcorp Genetics (formerly Invitae), Labcorp
Classification: Pathogenic. Last evaluated: 2026-01-15. Review status: criteria provided, single submitter. Criteria: Invitae Variant Classification Sherloc (09022015). Collection method: clinical testing. Allele origin: germline.
Comment: This sequence change creates a premature translational stop signal (p.Arg461*) in the CERKL gene. It is expected to result in an absent or disrupted protein product. Loss-of-function variants in CERKL are known to be pathogenic (PMID: 14681825, 23591405, 24043777). The frequency data for this variant in the population databases is considered unreliable, as metrics indicate poor data quality at this position in the gnomAD database. This premature translational stop signal has been observed in individual(s) with retinitis pigmentosa (PMID: 28559085). ClinVar contains an entry for this variant (Variation ID: 555316). For these reasons, this variant has been classified as Pathogenic.

Natera, Inc.
Classification: Pathogenic for Retinitis Pigmentosa 26. Last evaluated: 2025-09-04. Review status: criteria provided, single submitter. Criteria: Natera Variant Classification Schema (03/2026). Collection method: clinical testing. Allele origin: germline.
Comment: The c.1381C>T variant in CERKL is a nonsense variant predicted to introduce a stop codon at amino acid 461. This variant is expected to result in nonsense mediated decay, truncation, or a dysfunctional protein product. This variant is rare in the general population with a frequency below the threshold expected for the associated phenotype(s). This variant has been observed in one or more individuals affected with the associated recessive disease, as either homozygous or compound heterozygous with a second variant (PMID: 28559085). Given the available evidence, this variant is classified as Pathogenic.

Blueprint Genetics
Classification: Pathogenic for CERKL-related disorders. Last evaluated: 2024-05-17. Review status: criteria provided, single submitter. Criteria: ACMG Guidelines, 2015. Collection method: clinical testing. Allele origin: germline. Affected: yes. Observed: 5 variant alleles.

Baylor Genetics
Classification: Pathogenic for Retinitis pigmentosa 26. Last evaluated: 2023-12-05. Review status: criteria provided, single submitter. Criteria: ACMG Guidelines, 2015. Collection method: clinical testing. Allele origin: unknown.

Institute of Human Genetics, Univ. Regensburg, Univ. Regensburg
Classification: Pathogenic for Retinal dystrophy. Last evaluated: 2023-01-01. Review status: criteria provided, single submitter. Criteria: ACMG Guidelines, 2015. Collection method: clinical testing. Allele origin: germline. Affected: yes.

Institute of Medical Genetics and Applied Genomics, University Hospital Tübingen
Classification: Pathogenic. Last evaluated: 2020-10-23. Review status: criteria provided, single submitter. Criteria: ACMG Guidelines, 2015. Collection method: clinical testing. Allele origin: germline. Inheritance: Autosomal recessive inheritance. Affected: yes.

CeGaT Center for Human Genetics Tuebingen
Classification: Pathogenic. Last evaluated: 2019-08-01. Review status: criteria provided, single submitter. Criteria: CeGaT Center For Human Genetics Tuebingen Variant Classification Criteria Version 2. Collection method: clinical testing. Allele origin: germline. Affected: yes. Observed: 3 variant alleles.

Fulgent Genetics
Classification: Likely pathogenic for Retinitis pigmentosa 26. Last evaluated: 2018-10-31. Review status: criteria provided, single submitter. Criteria: ACMG Guidelines, 2015. Collection method: clinical testing. Allele origin: unknown.

Counsyl
Classification: Likely pathogenic for Retinitis pigmentosa 26. Last evaluated: 2017-11-28. Review status: no assertion criteria provided. Collection method: clinical testing. Allele origin: unknown. Not counted in ClinVar's aggregate classification.

Literature cited by the submitters: PubMed 14681825 (cited by Labcorp Genetics (formerly Invitae), Labcorp); PubMed 23591405 (cited by Labcorp Genetics (formerly Invitae), Labcorp); PubMed 24043777 (cited by Labcorp Genetics (formerly Invitae), Labcorp); PubMed 28559085 (cited by 3 submitters); PubMed 29074561 (cited by Institute of Human Genetics, Univ. Regensburg, Univ. Regensburg); PubMed 31054281 (cited by Institute of Human Genetics, Univ. Regensburg, Univ. Regensburg); PubMed 31964843 (cited by Institute of Human Genetics, Univ. Regensburg, Univ. Regensburg); PubMed 32531858 (cited by Institute of Human Genetics, Univ. Regensburg, Univ. Regensburg).